The following is an entry in ClinVar:

ClinVar aggregate classification (germline): Uncertain significance (1 of 4 stars; one submission).

Submission:

GeneDx
Classification: Uncertain significance. Last evaluated: 2023-12-27. Review status: criteria provided, single submitter. Criteria: GeneDx Variant Classification Process June 2021. Collection method: clinical testing. Allele origin: germline. Affected: yes.
Comment: Has not been previously published as pathogenic or benign to our knowledge; Not observed at significant frequency in large population cohorts (gnomAD); In silico analysis supports that this missense variant has a deleterious effect on protein structure/function; This variant is associated with the following publications: (PMID: 26503042, 26138142, 25168514)

NM_002047.4(GARS1):c.806G>A (p.Gly269Glu)

Gene: GARS1 (glycyl-tRNA synthetase 1; plus strand). Cytogenetic location: 7p14.3.
Variant type: single nucleotide variant.
Coding change: c.806G>A on transcript NM_002047.4 (MANE Select); coding-DNA position 806, G replaced by A.
Protein change: p.Gly269Glu; replaces glycine 269 with glutamic acid.
Molecular consequence: missense variant.
Genome position (GRCh38, 1-based): chr7:30,609,655, G>A. VCF-style: chr7-30609655-G-A. GRCh37 (hg19) VCF-style: chr7-30649271-G-A.
Other names: c.644G>A, p.Gly215Glu (NM_001316772.1); short protein forms G215E, G269E.
Identifiers: ClinVar variation 3370195 (VCV003370195.1).